The following is an entry in ClinVar:

ClinVar aggregate classification (germline): Uncertain significance. Review status: criteria provided, multiple submitters, no conflicts (2 of 4 stars). 2 submissions from 2 submitters: Uncertain significance (2). Last evaluated 2025-06-24.

Conditions:
Idiopathic generalized epilepsy. Also called: Generalised epilepsy; EIG. Identifiers: MedGen C0270850, MONDO:0005579, OMIM 600669.
Hyperaldosteronism, familial, type IV (HALD4). Also called: FH IV; ALDOSTERONISM, PRIMARY, AND HYPERTENSION. Identifiers: Orphanet 642671, MedGen C4310756, MONDO:0014875, OMIM 617027.
Inborn genetic diseases. Identifiers: MedGen C0950123, MeSH D030342.

Allele frequency attached by ClinVar (database versions not stated): gnomAD 0.00001; TOPMed 0.00002.
gnomAD v4.1: 11 of 1,520,072 alleles (0.00072%); highest among the groups gnomAD compares: Admixed American, 0.0045%; no homozygotes.

Submissions (2):

Labcorp Genetics (formerly Invitae), Labcorp
Classification: Uncertain significance for Idiopathic generalized epilepsy; Hyperaldosteronism, familial, type IV. Last evaluated: 2025-06-24. Review status: criteria provided, single submitter. Criteria: Invitae Variant Classification Sherloc (09022015). Collection method: clinical testing. Allele origin: germline.
Comment: This sequence change replaces arginine, which is basic and polar, with tryptophan, which is neutral and slightly polar, at codon 2155 of the CACNA1H protein (p.Arg2155Trp). The frequency data for this variant in the population databases is considered unreliable, as metrics indicate poor data quality at this position in the gnomAD database. This variant has not been reported in the literature in individuals affected with CACNA1H-related conditions. ClinVar contains an entry for this variant (Variation ID: 2479050). Invitae Evidence Modeling of protein sequence and biophysical properties (such as structural, functional, and spatial information, amino acid conservation, physicochemical variation, residue mobility, and thermodynamic stability) indicates that this missense variant is not expected to disrupt CACNA1H protein function with a negative predictive value of 80%. In summary, the available evidence is currently insufficient to determine the role of this variant in disease. Therefore, it has been classified as a Variant of Uncertain Significance.

Ambry Genetics
Classification: Uncertain significance for Inborn genetic diseases. Last evaluated: 2023-01-25. Review status: criteria provided, single submitter. Criteria: Ambry Variant Classification Scheme 2023. Collection method: clinical testing. Allele origin: germline.

NM_021098.3(CACNA1H):c.6463C>T (p.Arg2155Trp)

Gene: CACNA1H (calcium voltage-gated channel subunit alpha1 H; plus strand). Cytogenetic location: 16p13.3.
Variant type: single nucleotide variant.
Coding change: c.6463C>T on transcript NM_021098.3 (MANE Select); coding-DNA position 6463, C replaced by T.
Protein change: p.Arg2155Trp; replaces arginine 2155 with tryptophan.
Molecular consequence: missense variant.
Genome position (GRCh38, 1-based): chr16:1,220,395, C>T. VCF-style: chr16-1220395-C-T. GRCh37 (hg19) VCF-style: chr16-1270395-C-T.
Other names: c.6445C>T, p.Arg2149Trp (NM_001005407.2); short protein forms R2149W, R2155W.
Identifiers: ClinVar variation 2479050 (VCV002479050.5), dbSNP rs1490888804, ClinGen allele CA394149785.
Genomic context (GRCh38, chr16:1,220,395, plus strand): 5'-CTCTACAGCGTGGATGCTCAGGGCTTCCTGGACAAGCCGGGCCGGGCAGACGAGCAGTGG[C>T]GGCCCTCGGCGGAGCTGGGCAGCGGGGAGCCTGGGGAGGCGAAGGCCTGGGGCCCTGAGG-3'
Protein context (NP_066921.2, residues 2145-2165): DKPGRADEQW[Arg2155Trp]PSAELGSGEP